The following is an entry in ClinVar:

ClinVar aggregate classification (germline): Pathogenic (1 of 4 stars; one submission).

Conditions:
Propionic acidemia (PROP). Also called: KETOTIC HYPERGLYCINEMIA; GLYCINEMIA, KETOTIC; HYPERGLYCINEMIA WITH KETOACIDOSIS AND LEUKOPENIA. Identifiers: Orphanet 35, MedGen C0268579, MONDO:0011628, OMIM 606054, HP:0003571.

Submission:

Labcorp Genetics (formerly Invitae), Labcorp
Classification: Pathogenic for Propionic acidemia. Last evaluated: 2025-07-21. Review status: criteria provided, single submitter. Criteria: Invitae Variant Classification Sherloc (09022015). Collection method: clinical testing. Allele origin: germline.
Comment: This sequence change creates a premature translational stop signal (p.Phe129*) in the PCCB gene. It is expected to result in an absent or disrupted protein product. Loss-of-function variants in PCCB are known to be pathogenic (PMID: 15464417). Information on the frequency of this variant in the gnomAD database is not available, as this variant may be reported differently in the database. This premature translational stop signal has been observed in individual(s) with propionic acidemia (PMID: 31757659). This variant is also known as c.386_387delTTinsAAC. For these reasons, this variant has been classified as Pathogenic.

Literature cited by the submitters: PubMed 15464417; PubMed 31757659.

NM_000532.5(PCCB):c.386delinsAA (p.Phe129Ter)

Gene: PCCB (propionyl-CoA carboxylase subunit beta; plus strand). Cytogenetic location: 3q22.3.
Variant type: Indel.
Coding change: c.386delinsAA on transcript NM_000532.5 (MANE Select); coding-DNA position 386, T replaced by AA.
Protein change: p.Phe129Ter; replaces phenylalanine 129 with a stop codon.
Molecular consequence: nonsense.
Genome position (GRCh38, 1-based): chr3:136,260,492, T replaced by AA. VCF-style: chr3-136260492-T-AA. GRCh37 (hg19) VCF-style: chr3-135979334-T-AA.
Other names: c.446delinsAA, p.Phe149Ter (NM_001178014.2); short protein forms F129*, F149*.
Identifiers: ClinVar variation 2782920 (VCV002782920.3), dbSNP rs2529760174, ClinGen allele CA2739279765.